The following is an entry in ClinVar:

NM_001040616.3(LINS1):c.1121T>C (p.Ile374Thr)

Gene: LINS1 (lines homolog 1; minus strand). Cytogenetic location: 15q26.3.
Variant type: single nucleotide variant.
Coding change: c.1121T>C on transcript NM_001040616.3 (MANE Select); coding-DNA position 1121, T replaced by C.
Protein change: p.Ile374Thr; replaces isoleucine 374 with threonine.
Molecular consequence: missense variant. On other transcripts: non-coding transcript variant (3).
Genome position (GRCh38, 1-based): chr15:100,573,752, A>G on the plus strand (T>C on the coding strand, the complement: LINS1 is on the minus strand). VCF-style: chr15-100573752-A-G. GRCh37 (hg19) VCF-style: chr15-101113957-A-G.
Other names: c.374T>C, p.Ile125Thr (NM_001352507.2); c.1076T>C, p.Ile359Thr (NM_001352508.2); short protein forms I374T, I125T, I359T.
Identifiers: ClinVar variation 589349 (VCV000589349.5), dbSNP rs776962968, ClinGen allele CA7759531.

ClinVar aggregate classification (germline): Uncertain significance (1 of 4 stars; one submission).

Conditions:
Inborn genetic diseases. Identifiers: MedGen C0950123, MeSH D030342.

Allele frequency attached by ClinVar (database versions not stated): gnomAD 0.00001; ExAC 0.00002; gnomAD exomes 0.00002 and 0.00003; TOPMed 0.00002.
gnomAD v4.1: 25 of 1,613,816 alleles (0.0015%); highest among the groups gnomAD compares: South Asian, 0.012%; no homozygotes.

Submission:

Ambry Genetics
Classification: Uncertain significance for Inborn genetic diseases. Last evaluated: 2016-08-08. Review status: criteria provided, single submitter. Criteria: Ambry Variant Classification Scheme 2023. Collection method: clinical testing. Allele origin: germline.
Comment: The p.I374T variant (also known as c.1121T>C), located in coding exon 4 of the LINS gene, results from a T to C substitution at nucleotide position 1121. The isoleucine at codon 374 is replaced by threonine, an amino acid with similar properties. This variant was not reported in population based cohorts in the following databases: Database of Single Nucleotide Polymorphisms (dbSNP), NHLBI Exome Sequencing Project (ESP), and 1000 Genomes Project. In the ESP, this variant was not observed in 6503 samples (13006 alleles) with coverage at this position. This amino acid position is poorly conserved in available vertebrate species. In addition, this alteration is predicted to be tolerated by in silico analysis. Based on available evidence to date, the clinical significance of this variant remains unclear.